The following is an entry in ClinVar:

ClinVar aggregate classification (germline): Uncertain significance (1 of 4 stars; one submission).

Submission:

Ambry Genetics
Classification: Uncertain significance. Last evaluated: 2021-07-09. Review status: criteria provided, single submitter. Criteria: Ambry Variant Classification Scheme 2023. Collection method: clinical testing. Allele origin: germline.
Comment: The c.5270+1G>A intronic variant results from a G to A substitution one nucleotide after coding exon 45 of the KIF1B gene. This alteration occurs at the 3' terminus of the KIF1B gene, is not expected to trigger nonsense-mediated mRNA decay, and only impacts the last 16 amino acids of the protein. The exact functional effect of this alteration is unknown. This nucleotide position is highly conserved in available vertebrate species. In silico splice site analysis predicts that this alteration will weaken the native splice donor site and may result in the creation or strengthening of a novel splice donor site. Since supporting evidence is limited at this time, the clinical significance of this alteration remains unclear.

NM_001365951.3(KIF1B):c.5408+1G>A

Gene: KIF1B (kinesin family member 1B; plus strand). Cytogenetic location: 1p36.22.
Variant type: single nucleotide variant.
Coding change: c.5408+1G>A on transcript NM_001365951.3 (MANE Select); the canonical splice donor site of the intron after coding-DNA position 5408, G replaced by A.
Molecular consequence: splice donor variant.
Genome position (GRCh38, 1-based): chr1:10,375,374, G>A. VCF-style: chr1-10375374-G-A. GRCh37 (hg19) VCF-style: chr1-10435432-G-A.
Other names: c.5270+1G>A (NM_015074.3); c.5408+1G>A (NM_001365952.1).
Identifiers: ClinVar variation 1746512 (VCV001746512.2), dbSNP rs2521987343, ClinGen allele CA338332058.